The following is an entry in ClinVar:

NM_000252.3(MTM1):c.662C>A (p.Ser221Tyr)

Gene: MTM1 (myotubularin 1; plus strand). Cytogenetic location: Xq28.
Variant type: single nucleotide variant.
Coding change: c.662C>A on transcript NM_000252.3 (MANE Select); coding-DNA position 662, C replaced by A.
Protein change: p.Ser221Tyr; replaces serine 221 with tyrosine.
Molecular consequence: missense variant.
Genome position (GRCh38, 1-based): chrX:150,641,402, C>A. VCF-style: chrX-150641402-C-A. GRCh37 (hg19) VCF-style: chrX-149809875-C-A.
Other names: c.662C>A, p.Ser221Tyr (NM_001376906.1, NM_001376908.1); c.551C>A, p.Ser184Tyr (NM_001376907.1); short protein forms S221Y, S184Y.
Identifiers: ClinVar variation 4986082 (VCV004986082.1).
Genomic context (GRCh38, chrX:150,641,402, plus strand): 5'-TTTTGGTGGTTCCGTATCGTGCCTCAGATGATGACCTCCGGAGAGTTGCAACTTTTAGGT[C>A]CCGAAATCGAATTCCAGTGAGTACTGCAATTAACGTTTCTCTTGAAGAGCACCTTTTAGT-3'
Protein context (NP_000243.1, residues 211-231): DDLRRVATFR[Ser221Tyr]RNRIPVLSWI

ClinVar aggregate classification (germline): Uncertain significance (1 of 4 stars; one submission).

Conditions:
MTM1-related disorder. Also called: MTM1-related condition.

Submission:

PreventionGenetics, part of Exact Sciences
Classification: Uncertain significance for MTM1-related condition. Last evaluated: 2025-09-29. Review status: criteria provided, single submitter. Criteria: ACMG Guidelines, 2015. Collection method: clinical testing. Allele origin: germline.
Comment: The MTM1 c.662C>A variant is predicted to result in the amino acid substitution p.Ser221Tyr. To our knowledge, this variant has not been reported in the literature or in a large population database (gnomAD), indicating this variant is rare. At this time, the clinical significance of this variant is uncertain due to the absence of conclusive functional and genetic evidence.